The following is an entry in ClinVar:

ClinVar aggregate classification (germline): Pathogenic/Likely pathogenic. Review status: criteria provided, multiple submitters, no conflicts (2 of 4 stars). 2 submissions from 2 submitters: Pathogenic (1); Likely pathogenic (1). Last evaluated 2024-11-27.

Conditions:
Cobalamin C disease. Also called: Cobalamin-C methylmalonic acidemia and homocystinuria; Methylmalonic acidemia and homocystinuria cblC type; Methylmalonic aciduria and homocystinuria, Vitamin B12-responsive; Vitamin B12 metabolic defect with combined deficiency of methylmalonyl-CoA mutase and homocysteine:methyltetrahydrofolate methyltransferase; methylmalonic aciduria and homocystinuria type cblC; Methylmalonic aciduria with homocystinuria cblC type. Identifiers: Orphanet 26, Orphanet 79282, MedGen C1848561, MONDO:0010184, OMIM 277400.

Submissions (2):

Labcorp Genetics (formerly Invitae), Labcorp
Classification: Pathogenic for Cobalamin C disease. Last evaluated: 2024-11-27. Review status: criteria provided, single submitter. Criteria: Invitae Variant Classification Sherloc (09022015). Collection method: clinical testing. Allele origin: germline.
Comment: This sequence change creates a premature translational stop signal (p.Arg91Thrfs*14) in the MMACHC gene. It is expected to result in an absent or disrupted protein product. Loss-of-function variants in MMACHC are known to be pathogenic (PMID: 16311595). This variant is present in population databases (no rsID available, gnomAD 0.006%). This variant has not been reported in the literature in individuals affected with MMACHC-related conditions. For these reasons, this variant has been classified as Pathogenic.

Natera, Inc.
Classification: Likely pathogenic for Methylmalonic aciduria and homocystinuria cblC type. Last evaluated: 2024-10-15. Review status: criteria provided, single submitter. Criteria: Natera Variant Classification Schema (03/2026). Collection method: clinical testing. Allele origin: germline.
Comment: The c.271_272insC variant in MMACHC is a frameshift variant predicted to shift the reading frame beginning at codon 91 and leads to a stop codon 14 codons downstream. This variant is expected to result in nonsense mediated decay, truncation, or a dysfunctional protein product. This variant is rare in the general population with a frequency below the threshold expected for the associated phenotype(s). Given the available evidence, this variant is classified as Likely Pathogenic.

Literature cited by the submitters: PubMed 16311595 (cited by Labcorp Genetics (formerly Invitae), Labcorp).

NM_015506.3(MMACHC):c.271_272insC (p.Arg91fs)

Gene: MMACHC (metabolism of cobalamin associated C; plus strand). Cytogenetic location: 1p34.1.
Variant type: Insertion.
Coding change: c.271_272insC on transcript NM_015506.3 (MANE Select); coding-DNA positions 271 to 272, C inserted.
Protein change: p.Arg91fs; shifts the reading frame from arginine 91.
Molecular consequence: frameshift variant.
Genome position: GRCh38 VCF-style: chr1-45507545-A-AC. GRCh37 (hg19) VCF-style: chr1-45973217-A-AC.
Other names: c.271_272insC (NM_015506.2); c.100_101insC, p.Arg34fs (NM_001330540.2); short protein forms R91fs, R34fs.
Identifiers: ClinVar variation 3726324 (VCV003726324.3).